The following is an entry in ClinVar:

ClinVar aggregate classification (germline): Likely pathogenic (1 of 4 stars; one submission).

Conditions:
Early-infantile DEE. Also called: Ohtahara syndrome; Early infantile epileptic encephalopathy with suppression bursts; Early infantile epileptic encephalopathy. Identifiers: Orphanet 1934, MedGen C0393706, MONDO:0800491.

Submission:

Labcorp Genetics (formerly Invitae), Labcorp
Classification: Likely pathogenic for Early-infantile DEE. Last evaluated: 2020-07-07. Review status: criteria provided, single submitter. Criteria: Invitae Variant Classification Sherloc (09022015). Collection method: clinical testing. Allele origin: germline.
Comment: This variant is not present in population databases (ExAC no frequency). In summary, the currently available evidence indicates that the variant is pathogenic, but additional data are needed to prove that conclusively. Therefore, this variant has been classified as Likely Pathogenic. Donor and acceptor splice site variants typically lead to a loss of protein function (PMID: 16199547), and loss-of-function variants in CACNA2D2 are known to be pathogenic (PMID: 24358150). Algorithms developed to predict the effect of sequence changes on RNA splicing suggest that this variant may disrupt the consensus splice site, but this prediction has not been confirmed by published transcriptional studies. This variant has not been reported in the literature in individuals with CACNA2D2-related conditions. This sequence change affects a donor splice site in intron 7 of the CACNA2D2 gene. It is expected to disrupt RNA splicing and likely results in an absent or disrupted protein product.

Literature cited by the submitters: PubMed 16199547; PubMed 24358150.

NM_006030.4(CACNA2D2):c.784+1G>C

Gene: CACNA2D2 (calcium voltage-gated channel auxiliary subunit alpha2delta 2; minus strand). Cytogenetic location: 3p21.31.
Variant type: single nucleotide variant.
Coding change: c.784+1G>C on transcript NM_006030.4 (MANE Select); the canonical splice donor site of the intron after coding-DNA position 784, G replaced by C.
Molecular consequence: splice donor variant.
Genome position (GRCh38, 1-based): chr3:50,380,994, C>G on the plus strand (G>C on the coding strand, the complement: CACNA2D2 is on the minus strand). VCF-style: chr3-50380994-C-G. GRCh37 (hg19) VCF-style: chr3-50418425-C-G.
Other names: c.577+1G>C (NM_001291101.1); c.784+1G>C (NM_001005505.3, NM_001410768.1, NM_001174051.3).
Identifiers: ClinVar variation 1067819 (VCV001067819.6), dbSNP rs1705277912, ClinGen allele CA352939378.